The following is an entry in ClinVar:

ClinVar aggregate classification (germline): Uncertain significance (1 of 4 stars; one submission).

Conditions:
Hereditary cancer-predisposing syndrome. Also called: Neoplastic Syndromes, Hereditary; Tumor predisposition; Hereditary neoplastic syndrome; Hereditary Cancer Syndrome. Identifiers: Orphanet 140162, MedGen C0027672, MeSH D009386, MONDO:0015356.

Submission:

Ambry Genetics
Classification: Uncertain significance for Hereditary cancer-predisposing syndrome. Last evaluated: 2026-07-06. Review status: criteria provided, single submitter. Criteria: Ambry Variant Classification Scheme 2023. Collection method: clinical testing. Allele origin: germline.
Comment: The p.S233P variant (also known as c.697T>C), located in coding exon 1 of the MET gene, results from a T to C substitution at nucleotide position 697. The serine at codon 233 is replaced by proline, an amino acid with similar properties. This amino acid position is conserved. In addition, the in silico prediction for this alteration is inconclusive. Based on the available evidence, the clinical significance of this variant remains unclear.

NM_000245.4(MET):c.697T>C (p.Ser233Pro)

Gene: MET (MET proto-oncogene, receptor tyrosine kinase; plus strand). Cytogenetic location: 7q31.2.
Variant type: single nucleotide variant.
Coding change: c.697T>C on transcript NM_000245.4 (MANE Select); coding-DNA position 697, T replaced by C.
Protein change: p.Ser233Pro; replaces serine 233 with proline.
Molecular consequence: missense variant. On other transcripts: intron variant (1).
Genome position (GRCh38, 1-based): chr7:116,699,781, T>C. VCF-style: chr7-116699781-T-C. GRCh37 (hg19) VCF-style: chr7-116339835-T-C.
Other names: c.697T>C, p.Ser233Pro (NM_001127500.3, NM_001324401.3); c.-91+27204T>C (NM_001324402.2); short protein forms S233P.
Identifiers: ClinVar variation 5024370 (VCV005024370.1).